The following is an entry in ClinVar:

ClinVar aggregate classification (germline): Benign (1 of 4 stars; one submission).

Conditions:
Lathosterolosis. Also called: SC5D DEFICIENCY; STEROL C5-DESATURASE DEFICIENCY. Identifiers: Orphanet 46059, MedGen C1846421, MONDO:0011816, OMIM 607330.

Allele frequency attached by ClinVar (database versions not stated): 1000 Genomes Project 30x 0.41677; 1000 Genomes Project 0.42212; TOPMed 0.47587; gnomAD 0.49272 and 0.49477.
gnomAD v4.1: 74,814 of 152,072 alleles (49%); highest among the groups gnomAD compares: Non-Finnish European, 56%; 19,215 homozygotes.

Submission:

Illumina Laboratory Services, Illumina
Classification: Benign for Lathosterolosis. Last evaluated: 2018-01-13. Review status: criteria provided, single submitter. Criteria: ICSL Variant Classification Criteria 13 December 2019. Collection method: clinical testing. Allele origin: germline.
Comment: This variant was observed in the ICSL laboratory as part of a predisposition screen in an ostensibly healthy population. It had not been previously curated by ICSL or reported in the Human Gene Mutation Database (HGMD: prior to June 1st, 2018), and was therefore a candidate for classification through an automated scoring system. Utilizing variant allele frequency, disease prevalence and penetrance estimates, and inheritance mode, an automated score was calculated to assess if this variant is too frequent to cause the disease. Based on the score and internal cut-off values, a variant classified as benign is not then subjected to further curation. The score for this variant resulted in a classification of benign for this disease.

NM_006918.5(SC5D):c.*1626A>T

Gene: SC5D (sterol-C5-desaturase; plus strand). Cytogenetic location: 11q24.1.
Variant type: single nucleotide variant.
Coding change: c.*1626A>T on transcript NM_006918.5 (MANE Select); 1626 bases downstream of the stop codon, A replaced by T.
Molecular consequence: 3 prime UTR variant.
Genome position (GRCh38, 1-based): chr11:121,309,138, A>T. VCF-style: chr11-121309138-A-T. GRCh37 (hg19) VCF-style: chr11-121179847-A-T.
Other names: c.*1626A>T (NM_001024956.3).
Identifiers: ClinVar variation 303070 (VCV000303070.5), dbSNP rs2060008, ClinGen allele CA10633837.